The following is an entry in ClinVar:

NM_004656.4(BAP1):c.581-6C>T

Gene: BAP1 (BRCA1 associated deubiquitinase 1; minus strand). Cytogenetic location: 3p21.1.
Variant type: single nucleotide variant.
Coding change: c.581-6C>T on transcript NM_004656.4 (MANE Select); 6 bases into the intron before coding-DNA position 581, C replaced by T.
Molecular consequence: intron variant.
Genome position (GRCh38, 1-based): chr3:52,406,913, G>A on the plus strand (C>T on the coding strand, the complement: BAP1 is on the minus strand). VCF-style: chr3-52406913-G-A. GRCh37 (hg19) VCF-style: chr3-52440929-G-A.
Identifiers: ClinVar variation 346124 (VCV000346124.17), dbSNP rs754576458, ClinGen allele CA10616998.

ClinVar aggregate classification (germline): Conflicting classifications of pathogenicity. Review status: criteria provided, conflicting classifications (1 of 4 stars). 5 submissions from 5 submitters: Uncertain significance (1); Likely benign (4). Last evaluated 2025-12-26.

Conditions:
Hereditary cancer-predisposing syndrome. Also called: Neoplastic Syndromes, Hereditary; Tumor predisposition; Hereditary neoplastic syndrome; Hereditary Cancer Syndrome. Identifiers: Orphanet 140162, MedGen C0027672, MeSH D009386, MONDO:0015356.
BAP1-related tumor predisposition syndrome (TPDS1). Also called: Tumor susceptibility linked to germline BAP1 mutations; BAP1 tumor predisposition syndrome; TUMOR PREDISPOSITION SYNDROME 1; COMMON Syndrome. Identifiers: Orphanet 289539, MedGen C3280492, MONDO:0013692, OMIM 614327.

Allele frequency attached by ClinVar (database versions not stated): gnomAD 0.00001; gnomAD exomes 0.00001 and 0.00002; TOPMed 0.00001.
gnomAD v4.1: 25 of 1,569,882 alleles (0.0016%); highest among the groups gnomAD compares: Non-Finnish European, 0.0022%; no homozygotes.

Submissions (5):

Labcorp Genetics (formerly Invitae), Labcorp
Classification: Likely benign for BAP1-related tumor predisposition syndrome. Last evaluated: 2025-12-26. Review status: criteria provided, single submitter. Criteria: Invitae Variant Classification Sherloc (09022015). Collection method: clinical testing. Allele origin: germline.

Quest Diagnostics Nichols Institute San Juan Capistrano
Classification: Likely benign. Last evaluated: 2025-05-18. Review status: criteria provided, single submitter. Criteria: Quest Diagnostics criteria. Collection method: clinical testing. Allele origin: unknown.

Myriad Genetics, Inc.
Classification: Likely benign for BAP1-related tumor predisposition syndrome. Last evaluated: 2024-07-12. Review status: criteria provided, single submitter. Criteria: Myriad Autosomal Dominant, Autosomal Recessive and X-Linked Classification Criteria (2023). Collection method: clinical testing. Allele origin: unknown.
Comment: This variant is considered likely benign. This variant is intronic and is not expected to impact mRNA splicing.

Illumina Laboratory Services, Illumina
Classification: Uncertain significance for BAP1-related tumor predisposition syndrome. Last evaluated: 2018-01-12. Review status: criteria provided, single submitter. Criteria: ICSL Variant Classification Criteria 13 December 2019. Collection method: clinical testing. Allele origin: germline.

Color Diagnostics, LLC DBA Color Health
Classification: Likely benign for Hereditary cancer-predisposing syndrome. Last evaluated: 2017-10-02. Review status: criteria provided, single submitter. Criteria: ACMG Guidelines, 2015. Collection method: clinical testing. Allele origin: germline.